The following is an entry in ClinVar:

ClinVar aggregate classification (germline): Uncertain significance (1 of 4 stars; one submission).

Conditions:
Hyper-IgM syndrome type 5 (HIGM5). Also called: Hyper-IgM Immunodeficiency Syndrome, Type 5. Identifiers: Orphanet 101092, MedGen C1720958, MONDO:0011971, OMIM 608106.

Allele frequency attached by ClinVar (database versions not stated): TOPMed 0.00001; gnomAD exomes 0.00002 and 0.00003; ExAC 0.00003; gnomAD 0.00003; 1000 Genomes Project 30x 0.00031; 1000 Genomes Project 0.00040.
gnomAD v4.1: 40 of 1,614,012 alleles (0.0025%); highest among the groups gnomAD compares: South Asian, 0.022%; no homozygotes.

Submission:

Labcorp Genetics (formerly Invitae), Labcorp
Classification: Uncertain significance for Hyper-IgM syndrome type 5. Last evaluated: 2023-12-11. Review status: criteria provided, single submitter. Criteria: Invitae Variant Classification Sherloc (09022015). Collection method: clinical testing. Allele origin: germline.
Comment: This sequence change replaces tyrosine, which is neutral and polar, with cysteine, which is neutral and slightly polar, at codon 284 of the UNG protein (p.Tyr284Cys). This variant is present in population databases (rs149153434, gnomAD 0.01%). This variant has not been reported in the literature in individuals affected with UNG-related conditions. ClinVar contains an entry for this variant (Variation ID: 1423958). Advanced modeling of protein sequence and biophysical properties (such as structural, functional, and spatial information, amino acid conservation, physicochemical variation, residue mobility, and thermodynamic stability) has been performed at Invitae for this missense variant, however the output from this modeling did not meet the statistical confidence thresholds required to predict the impact of this variant on UNG protein function. In summary, the available evidence is currently insufficient to determine the role of this variant in disease. Therefore, it has been classified as a Variant of Uncertain Significance.

NM_080911.3(UNG):c.851A>G (p.Tyr284Cys)

Gene: UNG (uracil DNA glycosylase; plus strand). Cytogenetic location: 12q24.11.
Variant type: single nucleotide variant.
Coding change: c.851A>G on transcript NM_080911.3 (MANE Select); coding-DNA position 851, A replaced by G.
Protein change: p.Tyr284Cys; replaces tyrosine 284 with cysteine.
Molecular consequence: missense variant.
Genome position (GRCh38, 1-based): chr12:109,109,878, A>G. VCF-style: chr12-109109878-A-G. GRCh37 (hg19) VCF-style: chr12-109547683-A-G.
Other names: c.824A>G, p.Tyr275Cys (NM_003362.4); short protein forms Y275C, Y284C.
Identifiers: ClinVar variation 1423958 (VCV001423958.8), dbSNP rs149153434, ClinGen allele CA6772813.